The following is an entry in ClinVar:

NM_012433.4(SF3B1):c.2623A>G (p.Ile875Val)

Gene: SF3B1 (splicing factor 3b subunit 1; minus strand). Cytogenetic location: 2q33.1.
Variant type: single nucleotide variant.
Coding change: c.2623A>G on transcript NM_012433.4 (MANE Select); coding-DNA position 2623, A replaced by G.
Protein change: p.Ile875Val; replaces isoleucine 875 with valine.
Molecular consequence: missense variant.
Genome position (GRCh38, 1-based): chr2:197,400,810, T>C on the plus strand (A>G on the coding strand, the complement: SF3B1 is on the minus strand). VCF-style: chr2-197400810-T-C. GRCh37 (hg19) VCF-style: chr2-198265534-T-C.
Other names: short protein forms I875V.
Identifiers: ClinVar variation 5008720 (VCV005008720.1).
Genomic context (GRCh38, chr2:197,400,810, plus strand): 5'-CATCAATCAGTTGTTCTTCAAGTTTATGATCAATATCTGCTGCTCCCAAATTACCCATAA[T>C]TTTCTCAATTGTCTCCATCACCATTTTTCTGTACTGTTCGGCTTCATCTTTCAGATCATC-3'
Protein context (NP_036565.2, residues 865-885): RKMVMETIEK[Ile875Val]MGNLGAADID

ClinVar aggregate classification (germline): Uncertain significance (1 of 4 stars; one submission).

Submission:

GeneDx
Classification: Uncertain significance. Last evaluated: 2026-03-15. Review status: criteria provided, single submitter. Criteria: GeneDx Variant Classification Process June 2021. Collection method: clinical testing. Allele origin: germline.
Comment: Not observed at significant frequency in large population cohorts (gnomAD); In silico analysis suggests that this missense variant does not alter protein structure/function; Has not been previously published as pathogenic or benign to our knowledge